The following is an entry in ClinVar:

ClinVar aggregate classification (germline): Uncertain significance. Review status: criteria provided, multiple submitters, no conflicts (2 of 4 stars). 2 submissions from 2 submitters: Uncertain significance (2). Last evaluated 2023-09-13.

Conditions:
Syndromic multisystem autoimmune disease due to ITCH deficiency. Also called: AUTOIMMUNE DISEASE, MULTISYSTEM, WITH FACIAL DYSMORPHISM. Identifiers: Orphanet 228426, MedGen C3150649, MONDO:0013245, OMIM 613385.
Inborn genetic diseases. Identifiers: MedGen C0950123, MeSH D030342.

Allele frequency attached by ClinVar (database versions not stated): ExAC 0.00001; gnomAD 0.00001; gnomAD exomes 0.00001; TOPMed 0.00001.
gnomAD v4.1: 14 of 1,591,940 alleles (0.00088%); highest among the groups gnomAD compares: South Asian, 0.0033%; no homozygotes.

Submissions (2):

Ambry Genetics
Classification: Uncertain significance for Inborn genetic diseases. Last evaluated: 2023-09-13. Review status: criteria provided, single submitter. Criteria: Ambry Variant Classification Scheme 2023. Collection method: clinical testing. Allele origin: germline.

Labcorp Genetics (formerly Invitae), Labcorp
Classification: Uncertain significance for Syndromic multisystem autoimmune disease due to ITCH deficiency. Last evaluated: 2022-08-23. Review status: criteria provided, single submitter. Criteria: Invitae Variant Classification Sherloc (09022015). Collection method: clinical testing. Allele origin: germline.
Comment: This sequence change replaces valine with isoleucine at codon 73 of the ITCH protein (p.Val73Ile). The valine residue is moderately conserved and there is a small physicochemical difference between valine and isoleucine. This variant is present in population databases (rs776445457, gnomAD 0.005%). This variant has not been reported in the literature in individuals affected with ITCH-related conditions. ClinVar contains an entry for this variant (Variation ID: 947149). Algorithms developed to predict the effect of missense changes on protein structure and function are either unavailable or do not agree on the potential impact of this missense change (SIFT: "Not Available"; PolyPhen-2: "Probably Damaging"; Align-GVGD: "Not Available"). In summary, the available evidence is currently insufficient to determine the role of this variant in disease. Therefore, it has been classified as a Variant of Uncertain Significance.

NM_031483.7(ITCH):c.217G>A (p.Val73Ile)

Gene: ITCH (itchy E3 ubiquitin protein ligase; plus strand). Cytogenetic location: 20q11.22.
Variant type: single nucleotide variant.
Coding change: c.217G>A on transcript NM_031483.7 (MANE Select); coding-DNA position 217, G replaced by A.
Protein change: p.Val73Ile; replaces valine 73 with isoleucine.
Molecular consequence: missense variant. On other transcripts: 5 prime UTR variant (1).
Genome position (GRCh38, 1-based): chr20:34,412,519, G>A. VCF-style: chr20-34412519-G-A. GRCh37 (hg19) VCF-style: chr20-33000325-G-A.
Other names: c.217G>A, p.Val73Ile (NM_001257137.3, NM_001324197.2, NM_001324198.2); c.-114G>A (NM_001257138.3); c.217G>A (NM_031483.4); short protein forms V73I.
Identifiers: ClinVar variation 947149 (VCV000947149.6), dbSNP rs776445457, ClinGen allele CA9821272.